The following is an entry in ClinVar:

NM_012434.5(SLC17A5):c.252dup (p.Glu85fs)

Gene: SLC17A5 (solute carrier family 17 member 5; minus strand). Cytogenetic location: 6q13.
Variant type: Duplication.
Coding change: c.252dup on transcript NM_012434.5 (MANE Select); coding-DNA position 252, one base duplicated (A; older notation c.252dupA).
Protein change: p.Glu85fs; shifts the reading frame from glutamic acid 85.
Molecular consequence: frameshift variant. On other transcripts: intron variant (2).
Genome position (GRCh38, 1-based): chr6:73,644,446, T duplicated on the plus strand (A on the coding strand, the reverse complement: SLC17A5 is on the minus strand). VCF-style (leftmost placement, unchanged base first): chr6-73644445-C-CT. GRCh37 (hg19) VCF-style: chr6-74354168-C-CT.
Other names: c.252dup, p.Glu85fs (NM_001382630.1, NM_001382632.1, NM_001382633.1 and 2 more transcripts); c.273dup, p.Glu92fs (NM_001382631.1); c.61-2522dup (NM_001382636.1, NM_001382629.1); short protein forms E85fs, E92fs.
Identifiers: ClinVar variation 5012032 (VCV005012032.1).

ClinVar aggregate classification (germline): Pathogenic (1 of 4 stars; one submission).

Conditions:
Sialic acid storage disease, severe infantile type (ISSD). Also called: INFANTILE SIALIC ACID STORAGE DISORDER; N-ACETYLNEURAMINIC ACID STORAGE DISEASE; NANA STORAGE DISEASE; SIALURIA, INFANTILE FORM; Infantile Sialic Acid Storage Disease; Free sialic acid storage disease, infantile form. Identifiers: Orphanet 309324, Orphanet 834, MedGen C1096902, MONDO:0010027, OMIM 269920.

Submission:

Myriad Genetics, Inc.
Classification: Pathogenic for Sialic acid storage disease, severe infantile type. Last evaluated: 2023-09-27. Review status: criteria provided, single submitter. Criteria: Myriad Autosomal Dominant, Autosomal Recessive and X-Linked Classification Criteria (2023). Collection method: clinical testing. Allele origin: unknown.
Comment: NM_012434.4(SLC17A5):c.252dupA(E85Rfs*11) is expected to be pathogenic in the context of free sialic acid storage disorders. This variant is predicted to lead to an abnormal or absent protein product due to the creation of a premature termination codon in SLC17A5, a gene where loss-of-function variants are known to be pathogenic. Please note: this variant was assessed in the context of healthy population screening.